The following is an entry in ClinVar:

NM_001127464.1:c.5614C>A

Gene: ZNF469 (zinc finger protein 469; plus strand).
Variant type: single nucleotide variant.
Identifiers: ClinVar variation 4615418 (VCV004615418.1).

ClinVar aggregate classification (germline): Uncertain significance (1 of 4 stars; one submission).

Conditions:
Cardiovascular phenotype. Identifiers: MedGen CN230736.

Submission:

Ambry Genetics
Classification: Uncertain significance for Cardiovascular phenotype. Last evaluated: 2025-09-25. Review status: criteria provided, single submitter. Criteria: Ambry Variant Classification Scheme 2023. Collection method: clinical testing. Allele origin: germline.
Comment: The p.P1872T variant (also known as c.5614C>A), located in coding exon 2 of the ZNF469 gene, results from a C to A substitution at nucleotide position 5614. The proline at codon 1872 is replaced by threonine, an amino acid with highly similar properties. This amino acid position is conserved. In addition, this alteration is predicted to be tolerated by in silico analysis. Based on the available evidence, the clinical significance of this variant remains unclear.